The following is an entry in ClinVar:

ClinVar aggregate classification (germline): Uncertain significance (1 of 4 stars; one submission).

Conditions:
Hypertrophic cardiomyopathy. Also called: HYPERTROPHIC MYOCARDIOPATHY. Identifiers: Orphanet 217569, MedGen C0007194, MeSH D002312, MONDO:0005045, HP:0001639.

Submission:

Labcorp Genetics (formerly Invitae), Labcorp
Classification: Uncertain significance for Hypertrophic cardiomyopathy. Last evaluated: 2019-09-16. Review status: criteria provided, single submitter. Criteria: Invitae Variant Classification Sherloc (09022015). Collection method: clinical testing. Allele origin: germline.
Comment: This variant results in a copy number gain of the genomic region encompassing exon 1 of the JPH2 gene, which includes the initiator codon. The 5' end of this event is unknown as it extends beyond the assayed region for this gene and therefore may encompass additional genes. The 3' boundary is likely confined to intron 1 of the JPH2 gene. As the precise location of this event is unknown, it may be in tandem or it may be located elsewhere in the genome. This variant has not been reported in the literature in individuals with JPH2-related conditions. Experimental studies and prediction algorithms are not available or were not evaluated for this variant, and the functional significance of the affected amino acid(s) is currently unknown. In summary, the available evidence is currently insufficient to determine the role of this variant in disease. Therefore, it has been classified as a Variant of Uncertain Significance.

NC_000020.11:g.(?_44186317)_(44186715_?)dup

Gene: JPH2 (junctophilin 2; minus strand). Cytogenetic location: 20q13.12.
Variant type: Duplication.
Identifiers: ClinVar variation 833453 (VCV000833453.2).